The following is an entry in ClinVar:

ClinVar aggregate classification (germline): Benign (1 of 4 stars; one submission).

Conditions:
Cleidocranial dysostosis (CLCD1). Also called: cleidocranial dysplasia 1; Marie-Sainton disease; Cleidocranial Dysplasia Spectrum Disorder. Identifiers: Orphanet 1452, MedGen C0008928, MONDO:0007340, OMIM 119600.

Allele frequency attached by ClinVar (database versions not stated): 1000 Genomes Project 30x 0.13585; 1000 Genomes Project 0.13698; TOPMed 0.17224; gnomAD exomes 0.18421.
gnomAD v4.1: 26,410 of 152,308 alleles (17%); highest among the groups gnomAD compares: Non-Finnish European, 23%; 2,687 homozygotes.

Submissions (2):

Illumina Laboratory Services, Illumina
Classification: Benign for Cleidocranial dysostosis. Last evaluated: 2018-01-12. Review status: criteria provided, single submitter. Criteria: ICSL Variant Classification Criteria 13 December 2019. Collection method: clinical testing. Allele origin: germline.
Comment: This variant was observed in the ICSL laboratory as part of a predisposition screen in an ostensibly healthy population. It had not been previously curated by ICSL or reported in the Human Gene Mutation Database (HGMD: prior to June 1st, 2018), and was therefore a candidate for classification through an automated scoring system. Utilizing variant allele frequency, disease prevalence and penetrance estimates, and inheritance mode, an automated score was calculated to assess if this variant is too frequent to cause the disease. Based on the score and internal cut-off values, a variant classified as benign is not then subjected to further curation. The score for this variant resulted in a classification of benign for this disease.

Dr. Peter K. Rogan Lab, Western University
No classification provided (evidence only). Condition: Uterine carcinosarcoma. Review status: no classification provided. Collection method: in vitro. Allele origin: not applicable. Functional consequence: retained intron. Not counted in ClinVar's aggregate classification.

NM_001024630.4(RUNX2):c.*3160G>T

Gene: RUNX2 (RUNX family transcription factor 2; plus strand). Cytogenetic location: 6p21.1.
Variant type: single nucleotide variant.
Coding change: c.*3160G>T on transcript NM_001024630.4 (MANE Select); 3160 bases downstream of the stop codon, G replaced by T.
Molecular consequence: 3 prime UTR variant.
Genome position (GRCh38, 1-based): chr6:45,550,465, G>T. VCF-style: chr6-45550465-G-T. GRCh37 (hg19) VCF-style: chr6-45518202-G-T.
Other names: NC_000006.11:g.45518202G>T; c.*3160G>T (NM_001015051.4, NM_001278478.2, NM_001369405.1).
Identifiers: ClinVar variation 357141 (VCV000357141.7), dbSNP rs1200428, ClinGen allele CA10626986.